The following is an entry in ClinVar:

NM_001244008.2(KIF1A):c.293A>G (p.Gln98Arg)

Gene: KIF1A (kinesin family member 1A; minus strand). Cytogenetic location: 2q37.3.
Variant type: single nucleotide variant.
Coding change: c.293A>G on transcript NM_001244008.2 (MANE Select); coding-DNA position 293, A replaced by G.
Protein change: p.Gln98Arg; replaces glutamine 98 with arginine.
Molecular consequence: missense variant.
Genome position (GRCh38, 1-based): chr2:240,788,121, T>C on the plus strand (A>G on the coding strand, the complement: KIF1A is on the minus strand). VCF-style: chr2-240788121-T-C. GRCh37 (hg19) VCF-style: chr2-241727538-T-C.
Other names: c.293A>G, p.Gln98Arg (NM_001320705.2, NM_001330289.2, NM_001330290.2 and 20 more transcripts); short protein forms Q98R.
Identifiers: ClinVar variation 1491908 (VCV001491908.6), dbSNP rs2126091834, ClinGen allele CA351310309.

ClinVar aggregate classification (germline): Uncertain significance (1 of 4 stars; one submission).

Conditions:
Hereditary spastic paraplegia 30. Identifiers: Orphanet 101010, MedGen C5235139, MONDO:0012476.
Neuropathy, hereditary sensory, type 2C. Also called: KIF1A-Related HSAN2 (HSAN2C); Hereditary sensory and autonomic neuropathy type IIC. Identifiers: Orphanet 970, MedGen C3280168, MONDO:0013634, OMIM 614213.
Intellectual disability, autosomal dominant 9 (NESCAVS). Also called: KIF1A-Related Neurodevelopmental Disorder; NESCAV SYNDROME. Identifiers: Orphanet 662367, MedGen C5393830, MONDO:0013656, OMIM 614255.

Submission:

Labcorp Genetics (formerly Invitae), Labcorp
Classification: Uncertain significance for Hereditary spastic paraplegia 30; Neuropathy, hereditary sensory, type 2C; Intellectual disability, autosomal dominant 9. Last evaluated: 2022-07-25. Review status: criteria provided, single submitter. Criteria: Invitae Variant Classification Sherloc (09022015). Collection method: clinical testing. Allele origin: germline.
Comment: Advanced modeling of protein sequence and biophysical properties (such as structural, functional, and spatial information, amino acid conservation, physicochemical variation, residue mobility, and thermodynamic stability) performed at Invitae indicates that this missense variant is expected to disrupt KIF1A protein function. ClinVar contains an entry for this variant (Variation ID: 1491908). This variant has not been reported in the literature in individuals affected with KIF1A-related conditions. This variant is not present in population databases (gnomAD no frequency). This sequence change replaces glutamine, which is neutral and polar, with arginine, which is basic and polar, at codon 98 of the KIF1A protein (p.Gln98Arg). In summary, the available evidence is currently insufficient to determine the role of this variant in disease. Therefore, it has been classified as a Variant of Uncertain Significance.